The following is an entry in ClinVar:

ClinVar aggregate classification (germline): Conflicting classifications of pathogenicity. Review status: criteria provided, conflicting classifications (1 of 4 stars). 2 submissions from 2 submitters: Uncertain significance (1); Likely benign (1). Last evaluated 2025-12-17.

Conditions:
Inborn genetic diseases. Identifiers: MedGen C0950123, MeSH D030342.

Allele frequency attached by ClinVar (database versions not stated): ESP Exome Variant Server 0.00008; gnomAD 0.00012; TOPMed 0.00013; ExAC 0.00019.
gnomAD v4.1: 171 of 1,613,912 alleles (0.011%); highest among the groups gnomAD compares: Non-Finnish European, 0.014%; no homozygotes.

Submissions (2):

Labcorp Genetics (formerly Invitae), Labcorp
Classification: Uncertain significance. Last evaluated: 2025-12-17. Review status: criteria provided, single submitter. Criteria: Invitae Variant Classification Sherloc (09022015). Collection method: clinical testing. Allele origin: germline.
Comment: This sequence change replaces asparagine, which is neutral and polar, with serine, which is neutral and polar, at codon 844 of the TOP3A protein (p.Asn844Ser). This variant is present in population databases (rs144577827, gnomAD 0.03%). This variant has not been reported in the literature in individuals affected with TOP3A-related conditions. ClinVar contains an entry for this variant (Variation ID: 2164246). An algorithm developed to predict the effect of missense changes on protein structure and function outputs the following: PolyPhen-2: "Benign". The serine amino acid residue is found in multiple mammalian species, which suggests that this missense change does not adversely affect protein function. In summary, the available evidence is currently insufficient to determine the role of this variant in disease. Therefore, it has been classified as a Variant of Uncertain Significance.

Ambry Genetics
Classification: Likely benign for Inborn genetic diseases. Last evaluated: 2023-05-08. Review status: criteria provided, single submitter. Criteria: Ambry Variant Classification Scheme 2023. Collection method: clinical testing. Allele origin: germline.

NM_004618.5(TOP3A):c.2531A>G (p.Asn844Ser)

Gene: TOP3A (DNA topoisomerase III alpha; minus strand). Cytogenetic location: 17p11.2.
Variant type: single nucleotide variant.
Coding change: c.2531A>G on transcript NM_004618.5 (MANE Select); coding-DNA position 2531, A replaced by G.
Protein change: p.Asn844Ser; replaces asparagine 844 with serine.
Molecular consequence: missense variant.
Genome position (GRCh38, 1-based): chr17:18,277,971, T>C on the plus strand (A>G on the coding strand, the complement: TOP3A is on the minus strand). VCF-style: chr17-18277971-T-C. GRCh37 (hg19) VCF-style: chr17-18181285-T-C.
Other names: c.2531A>G (NM_004618.3); c.2246A>G, p.Asn749Ser (NM_001320759.2); short protein forms N844S, N749S.
Identifiers: ClinVar variation 2164246 (VCV002164246.5), dbSNP rs144577827, ClinGen allele CA8429580.